The following is an entry in ClinVar:

ClinVar aggregate classification (germline): Benign/Likely benign. Review status: criteria provided, multiple submitters, no conflicts (2 of 4 stars). 3 submissions from 3 submitters: Benign (1); Likely benign (2). Last evaluated 2024-09-26.

Conditions:
Melanoma, cutaneous malignant, susceptibility to, 3. Also called: Cutaneous malignant melanoma 3. Identifiers: Orphanet 618, MedGen C1836892, MONDO:0012183, OMIM 609048.
Familial melanoma. Also called: Hereditary melanoma; Hereditary cutaneous melanoma. Identifiers: Orphanet 618, MedGen C1512419, MONDO:0018961.
Hereditary cancer-predisposing syndrome. Also called: Neoplastic Syndromes, Hereditary; Tumor predisposition; Hereditary neoplastic syndrome; Hereditary Cancer Syndrome. Identifiers: Orphanet 140162, MedGen C0027672, MeSH D009386, MONDO:0015356.

Submissions (3):

Myriad Genetics, Inc.
Classification: Benign for Melanoma, cutaneous malignant, susceptibility to, 3. Last evaluated: 2024-09-26. Review status: criteria provided, single submitter. Criteria: Myriad Autosomal Dominant, Autosomal Recessive and X-Linked Classification Criteria (2023). Collection method: clinical testing. Allele origin: unknown.
Comment: This variant is considered benign. This variant is a silent/synonymous amino acid change and it is not expected to impact splicing.

Labcorp Genetics (formerly Invitae), Labcorp
Classification: Likely benign for Familial melanoma. Last evaluated: 2023-09-10. Review status: criteria provided, single submitter. Criteria: Invitae Variant Classification Sherloc (09022015). Collection method: clinical testing. Allele origin: germline.

Ambry Genetics
Classification: Likely benign for Hereditary cancer-predisposing syndrome. Last evaluated: 2019-10-31. Review status: criteria provided, single submitter. Criteria: Ambry Variant Classification Scheme 2023. Collection method: clinical testing. Allele origin: germline.

NM_000075.4(CDK4):c.744C>G (p.Ala248=)

Genes: TSPAN31 (tetraspanin 31; plus strand), CDK4 (cyclin dependent kinase 4; minus strand). Cytogenetic location: 12q14.1.
Variant type: single nucleotide variant.
Coding change: c.744C>G on transcript NM_000075.4 (MANE Select); coding-DNA position 744, C replaced by G.
Protein change: p.Ala248=; no amino-acid change (alanine 248 retained).
Molecular consequence: synonymous variant. On other transcripts: 3 prime UTR variant (3).
Genome position (GRCh38, 1-based): chr12:57,749,257, G>C on the plus strand (C>G on the coding strand, the complement: CDK4 is on the minus strand). VCF-style: chr12-57749257-G-C. GRCh37 (hg19) VCF-style: chr12-58143040-G-C.
Other names: c.*1967G>C (NM_001330168.2, NM_001330169.2, NM_005981.5).
Identifiers: ClinVar variation 827053 (VCV000827053.12), dbSNP rs1595108768, ClinGen allele CA480300141.